The following is an entry in ClinVar:

NM_001009944.3(PKD1):c.9400A>G (p.Thr3134Ala)

Gene: PKD1 (polycystin 1, transient receptor potential channel interacting; minus strand). Cytogenetic location: 16p13.3.
Variant type: single nucleotide variant.
Coding change: c.9400A>G on transcript NM_001009944.3 (MANE Select); coding-DNA position 9400, A replaced by G.
Protein change: p.Thr3134Ala; replaces threonine 3134 with alanine.
Molecular consequence: missense variant.
Genome position (GRCh38, 1-based): chr16:2,100,564, T>C on the plus strand (A>G on the coding strand, the complement: PKD1 is on the minus strand). VCF-style: chr16-2100564-T-C. GRCh37 (hg19) VCF-style: chr16-2150565-T-C.
Other names: p.Thr3134Ala; c.9400A>G, p.Thr3134Ala (NM_000296.4); short protein forms T3134A.
Identifiers: ClinVar variation 3383502 (VCV003383502.4).
Genomic context (GRCh38, chr16:2,100,564, plus strand): 5'-GGTGCCGGTGGCCGCTCCGGCTGTCCACCCCATACAGCATGATGCCCACGTGGGCCGTGG[T>C]ACCTGGGAGGCAAGAGGGAGGGGTGGGAGGCTCGGTCTGCTGCCCAACACGTGTGGCATC-3'
Protein context (NP_001009944.3, residues 3124-3144): VKTGWGRGSG[Thr3134Ala]TAHVGIMLYG

ClinVar aggregate classification (germline): Uncertain significance. Review status: criteria provided, multiple submitters, no conflicts (2 of 4 stars). 3 submissions from 3 submitters: Uncertain significance (3). Last evaluated 2025-04-22.

Conditions:
Polycystic kidney disease, adult type (PKD1). Also called: Polycystic Kidney Disease 1, Autosomal Dominant; Polycystic kidney disease 1; Polycystic kidney disease 1, severe; POLYCYSTIC KIDNEY DISEASE, ADULT, TYPE I; Polycystic Kidney, Autosomal Dominant; POLYCYSTIC KIDNEY DISEASE 1 WITH OR WITHOUT POLYCYSTIC LIVER DISEASE. Identifiers: MedGen C3149841, MONDO:0008263, OMIM 173900.

Submissions (3):

Mayo Clinic Laboratories, Mayo Clinic
Classification: Uncertain significance. Last evaluated: 2025-04-22. Review status: criteria provided, single submitter. Criteria: ACMG Guidelines, 2015. Collection method: clinical testing. Allele origin: germline. Observed: 2 variant alleles.
Comment: PP3_moderate, PM2_supporting

GeneDx
Classification: Uncertain significance. Last evaluated: 2024-05-29. Review status: criteria provided, single submitter. Criteria: GeneDx Variant Classification Process June 2021. Collection method: clinical testing. Allele origin: germline. Affected: yes.
Comment: Not observed at significant frequency in large population cohorts (gnomAD); In silico analysis supports that this missense variant has a deleterious effect on protein structure/function; This variant is associated with the following publications: (PMID: 35778421)

Juno Genomics, Hangzhou Juno Genomics, Inc
Classification: Uncertain significance for Polycystic kidney disease, adult type. Review status: criteria provided, single submitter. Criteria: ACMG Guidelines, 2015. Collection method: clinical testing. Allele origin: germline.

Literature cited by the submitters: PubMed 35778421 (cited by Mayo Clinic Laboratories, Mayo Clinic).